The following is an entry in ClinVar:

ClinVar aggregate classification (germline): Likely benign. Review status: criteria provided, single submitter (1 of 4 stars). 2 submissions from 2 submitters: Likely benign (1). 1 of the submissions does not count toward it. Last evaluated 2026-01-26.

Conditions:
DCLRE1C-related disorder. Also called: DCLRE1C-related condition.
Severe combined immunodeficiency due to DCLRE1C deficiency (RS-SCID). Also called: SCID, AUTOSOMAL RECESSIVE, T CELL-NEGATIVE, B CELL-NEGATIVE, NK CELL-POSITIVE, WITH SENSITIVITY TO IONIZING RADIATION. Identifiers: Orphanet 275, MedGen C1865371, MONDO:0011225, OMIM 602450.

Allele frequency attached by ClinVar (database versions not stated): TOPMed 0.00007; ExAC 0.00006; gnomAD 0.00007 and 0.00009.
gnomAD v4.1: 41 of 1,613,138 alleles (0.0025%); highest among the groups gnomAD compares: Admixed American, 0.04%; no homozygotes.

Submissions (2):

Labcorp Genetics (formerly Invitae), Labcorp
Classification: Likely benign for Athabaskan severe combined immunodeficiency. Last evaluated: 2026-01-26. Review status: criteria provided, single submitter. Criteria: Invitae Variant Classification Sherloc (09022015). Collection method: clinical testing. Allele origin: germline.

PreventionGenetics, part of Exact Sciences
Classification: Likely benign for DCLRE1C-related condition. Last evaluated: 2019-05-31. Review status: no assertion criteria provided. Collection method: clinical testing. Allele origin: germline. Not counted in ClinVar's aggregate classification.
Comment: This variant is classified as likely benign based on ACMG/AMP sequence variant interpretation guidelines (Richards et al. 2015 PMID: 25741868, with internal and published modifications).

NM_001033855.3(DCLRE1C):c.679-6C>T

Gene: DCLRE1C (DNA cross-link repair 1C; minus strand). Cytogenetic location: 10p13.
Variant type: single nucleotide variant.
Coding change: c.679-6C>T on transcript NM_001033855.3 (MANE Select); 6 bases into the intron before coding-DNA position 679, C replaced by T.
Molecular consequence: intron variant.
Genome position (GRCh38, 1-based): chr10:14,932,961, G>A on the plus strand (C>T on the coding strand, the complement: DCLRE1C is on the minus strand). VCF-style: chr10-14932961-G-A. GRCh37 (hg19) VCF-style: chr10-14974960-G-A.
Other names: c.334-6C>T (NM_001350966.2, NM_001289078.2, NM_001289076.2 and 1 more transcripts); c.679-6C>T (NM_001350965.2); c.319-6C>T (NM_001350967.2, NM_001289077.2, NM_001289079.2 and 2 more transcripts).
Identifiers: ClinVar variation 712335 (VCV000712335.12), dbSNP rs201040496, ClinGen allele CA5416713.